The following is an entry in ClinVar:

NM_001101677.2(SOHLH1):c.916C>A (p.Leu306Met)

Gene: SOHLH1 (spermatogenesis and oogenesis specific basic helix-loop-helix 1; minus strand). Cytogenetic location: 9q34.3.
Variant type: single nucleotide variant.
Coding change: c.916C>A on transcript NM_001101677.2 (MANE Select); coding-DNA position 916, C replaced by A.
Protein change: p.Leu306Met; replaces leucine 306 with methionine.
Molecular consequence: missense variant.
Genome position (GRCh38, 1-based): chr9:135,694,417, G>T on the plus strand (C>A on the coding strand, the complement: SOHLH1 is on the minus strand). VCF-style: chr9-135694417-G-T. GRCh37 (hg19) VCF-style: chr9-138586263-G-T.
Other names: c.916C>A, p.Leu306Met (NM_001012415.3); short protein forms L306M.
Identifiers: ClinVar variation 772940 (VCV000772940.32), dbSNP rs144035874, ClinGen allele CA5325698.

ClinVar aggregate classification (germline): Benign. Review status: criteria provided, multiple submitters, no conflicts (2 of 4 stars). 5 submissions from 5 submitters: Benign (4). 1 of the submissions does not count toward it. Last evaluated 2026-07-01.

Conditions:
SOHLH1-related disorder. Also called: SOHLH1-related condition.

Allele frequency attached by ClinVar (database versions not stated): gnomAD 0.00188; ESP Exome Variant Server 0.00238; TOPMed 0.00245; 1000 Genomes Project 30x 0.00406; 1000 Genomes Project 0.00439.
gnomAD v4.1: 6,339 of 1,613,312 alleles (0.39%); highest among the groups gnomAD compares: South Asian, 1.4%; 39 homozygotes.

Submissions (5):

CeGaT Center for Human Genetics Tuebingen
Classification: Benign. Last evaluated: 2026-07-01. Review status: criteria provided, single submitter. Criteria: CeGaT Center For Human Genetics Tuebingen Variant Classification Criteria Version 2. Collection method: clinical testing. Allele origin: germline. Affected: yes. Observed: 7 variant alleles.
Comment: SOHLH1: BS1, BS2

Dubai Health Genomic Medicine Center, Dubai Health
Classification: Benign. Last evaluated: 2020-03-19. Review status: criteria provided, single submitter. Criteria: ACMG Guidelines, 2015. Collection method: clinical testing. Allele origin: germline. Affected: yes.

Labcorp Genetics (formerly Invitae), Labcorp
Classification: Benign. Last evaluated: 2018-01-12. Review status: criteria provided, single submitter. Criteria: Invitae Variant Classification Sherloc (09022015). Collection method: clinical testing. Allele origin: germline.

Breakthrough Genomics
Classification: Benign. Review status: criteria provided, single submitter. Criteria: ACMG Guidelines, 2015. Collection method: not provided. Allele origin: germline. Inheritance: Autosomal recessive inheritance. Affected: yes.

PreventionGenetics, part of Exact Sciences
Classification: Benign for SOHLH1-related condition. Last evaluated: 2024-04-17. Review status: no assertion criteria provided. Collection method: clinical testing. Allele origin: germline. Not counted in ClinVar's aggregate classification.
Comment: This variant is classified as benign based on ACMG/AMP sequence variant interpretation guidelines (Richards et al. 2015 PMID: 25741868, with internal and published modifications).